The following is an entry in ClinVar:

ClinVar aggregate classification (germline): Uncertain significance. Review status: criteria provided, multiple submitters, no conflicts (2 of 4 stars). 7 submissions from 7 submitters: Uncertain significance (6). 1 of the submissions does not count toward it. Last evaluated 2026-02-03.

Conditions:
Colorectal cancer, susceptibility to, 1. Also called: COLORECTAL ADENOMA AND CANCER, SUSCEPTIBILITY TO; COLORECTAL CANCER, SUSCEPTIBILITY TO, ON CHROMOSOME 9. Identifiers: MedGen C1837315, MONDO:0012132, OMIM 608812.
GALNT12-related disorder. Also called: GALNT12-related condition.

Allele frequency attached by ClinVar (database versions not stated): TOPMed 0.00010; gnomAD exomes 0.00014.
gnomAD v4.1: 47 of 1,152,368 alleles (0.0041%); highest among the groups gnomAD compares: South Asian, 0.033%; 1 homozygote.

Submissions (7):

Labcorp Genetics (formerly Invitae), Labcorp
Classification: Uncertain significance. Last evaluated: 2026-02-03. Review status: criteria provided, single submitter. Criteria: Invitae Variant Classification Sherloc (09022015). Collection method: clinical testing. Allele origin: germline.
Comment: This sequence change replaces tryptophan, which is neutral and slightly polar, with leucine, which is neutral and non-polar, at codon 2 of the GALNT12 protein (p.Trp2Leu). The frequency data for this variant in the population databases is considered unreliable, as metrics indicate poor data quality at this position in the gnomAD database. This variant has not been reported in the literature in individuals affected with GALNT12-related conditions. ClinVar contains an entry for this variant (Variation ID: 485653). An algorithm developed to predict the effect of missense changes on protein structure and function outputs the following: PolyPhen-2: "Not Available". The leucine amino acid residue is found in multiple mammalian species, which suggests that this missense change does not adversely affect protein function. In summary, the available evidence is currently insufficient to determine the role of this variant in disease. Therefore, it has been classified as a Variant of Uncertain Significance.

Ambry Genetics
Classification: Uncertain significance. Last evaluated: 2025-05-04. Review status: criteria provided, single submitter. Criteria: Ambry Variant Classification Scheme 2023. Collection method: clinical testing. Allele origin: germline.

Fulgent Genetics
Classification: Uncertain significance for Colorectal cancer, susceptibility to, 1. Last evaluated: 2024-04-24. Review status: criteria provided, single submitter. Criteria: ACMG Guidelines, 2015. Collection method: clinical testing. Allele origin: germline.

Baylor Genetics
Classification: Uncertain significance for Colorectal cancer, susceptibility to, 1. Last evaluated: 2024-03-22. Review status: criteria provided, single submitter. Criteria: ACMG Guidelines, 2015. Collection method: clinical testing. Allele origin: unknown.

Quest Diagnostics Nichols Institute San Juan Capistrano
Classification: Uncertain significance. Last evaluated: 2024-02-09. Review status: criteria provided, single submitter. Criteria: Quest Diagnostics criteria. Collection method: clinical testing. Allele origin: unknown.
Comment: The GALNT12 c.5G>T (p.Trp2Leu) variant has not been reported in individuals with GALNT12-related conditions in the published literature. The frequency of this variant in the general population, 0.000055 (2/36452 chromosomes (Genome Aggregation Database)), is uninformative in the assessment of its pathogenicity. Analysis of this variant using bioinformatics tools for the prediction of the effect of amino acid changes on protein structure and function yielded predictions that this variant is benign. Based on the available information, we are unable to determine the clinical significance of this variant.

Department of Pathology and Laboratory Medicine, Sinai Health System
Classification: Uncertain significance for Colorectal cancer, susceptibility to, 1. Last evaluated: 2023-11-05. Review status: criteria provided, single submitter. Criteria: ACMG Guidelines, 2015. Collection method: clinical testing. Allele origin: germline. Affected: yes.

PreventionGenetics, part of Exact Sciences
Classification: Uncertain significance for GALNT12-related condition. Last evaluated: 2024-04-08. Review status: no assertion criteria provided. Collection method: clinical testing. Allele origin: germline. Not counted in ClinVar's aggregate classification.
Comment: The GALNT12 c.5G>T variant is predicted to result in the amino acid substitution p.Trp2Leu. To our knowledge, this variant has not been reported in the literature. This variant is reported in 0.023% of alleles in individuals of African descent in gnomAD and is interpreted as uncertain significance in ClinVar. At this time, the clinical significance of this variant is uncertain due to the absence of conclusive functional and genetic evidence.

NM_024642.5(GALNT12):c.5G>T (p.Trp2Leu)

Gene: GALNT12 (polypeptide N-acetylgalactosaminyltransferase 12; plus strand). Cytogenetic location: 9q22.33.
Variant type: single nucleotide variant.
Coding change: c.5G>T on transcript NM_024642.5 (MANE Select); coding-DNA position 5, G replaced by T.
Protein change: p.Trp2Leu; replaces tryptophan 2 with leucine.
Molecular consequence: missense variant.
Genome position (GRCh38, 1-based): chr9:98,807,703, G>T. VCF-style: chr9-98807703-G-T. GRCh37 (hg19) VCF-style: chr9-101569985-G-T.
Other names: short protein forms W2L.
Identifiers: ClinVar variation 485653 (VCV000485653.20), dbSNP rs898798901, ClinGen allele CA196833757.